The following is an entry in ClinVar:

NM_000152.5(GAA):c.2432del (p.Leu811fs)

Gene: GAA (alpha glucosidase; plus strand). Cytogenetic location: 17q25.3.
Variant type: Deletion.
Coding change: c.2432del on transcript NM_000152.5 (MANE Select); coding-DNA position 2432, one base deleted (T; older notation c.2432delT).
Protein change: p.Leu811fs; shifts the reading frame from leucine 811.
Molecular consequence: frameshift variant.
Genome position (GRCh38, 1-based): chr17:80,117,700, T deleted. VCF-style (leftmost placement, unchanged base first): chr17-80117699-CT-C. GRCh37 (hg19) VCF-style: chr17-78091498-CT-C.
Other names: c.2432delT (NM_000152.4); c.2432del, p.Leu811fs (NM_001079803.3, NM_001079804.3); short protein forms L811fs.
Identifiers: ClinVar variation 938833 (VCV000938833.19), dbSNP rs766560578, ClinGen allele CA8815743.
Genomic context (GRCh38, chr17:80,117,699, plus strand): 5'-GCAGCTCCCCGTGAGCCAGCCATCCACAGCGAGGGGCAGTGGGTGACGCTGCCGGCCCCC[CT>C]GGACACCATCAACGTCCACCTCCGGGCTGGGTACATCATCCCCCTGCAGGTACCTGGGCC-3'

ClinVar aggregate classification (germline): Pathogenic. Review status: criteria provided, multiple submitters, no conflicts (2 of 4 stars). 6 submissions from 6 submitters: Pathogenic (6). Last evaluated 2026-07-01.

Conditions:
Glycogen storage disease, type II (IOPD). Also called: CARDIOMEGALIA GLYCOGENICA DIFFUSA; Glycogen storage disease type 2; Acid maltase deficiency disease; Aglucosidase alfa; Deficiency of alpha-glucosidase; Deficiency of lysosomal alpha-glucosidase. Identifiers: Orphanet 365, MedGen C0017921, MONDO:0009290, OMIM 232300.

Allele frequency attached by ClinVar (database versions not stated): gnomAD exomes below 0.00001; TOPMed below 0.00001; ExAC 0.00001.

Submissions (6):

Genomenon, Inc
Classification: Pathogenic for Glycogen storage disease, type II. Last evaluated: 2026-07-01. Review status: criteria provided, single submitter. Criteria: Genomenon Sequence Variant Interpretation Standards - Updated. Collection method: curation. Allele origin: germline. Affected: yes.
Comment: GAA p.Leu811ArgfsTer37 (c.2432del) is a frameshift variant that is predicted to introduce a premature termination codon and result in a truncated or absent protein product. This variant has been observed in at least one proband with a GAA-related disorder (PMID:18429042;16433701;31606152;24269976;25763511). Functional studies have been reported (PMID:31606152;22252923;25763511). It is absent or not present at a significant frequency in gnomAD. In conclusion, we classify GAA p.Leu811ArgfsTer37 (c.2432del) as a pathogenic variant.

Labcorp Genetics (formerly Invitae), Labcorp
Classification: Pathogenic for Glycogen storage disease, type II. Last evaluated: 2025-12-01. Review status: criteria provided, single submitter. Criteria: Invitae Variant Classification Sherloc (09022015). Collection method: clinical testing. Allele origin: germline.
Comment: This sequence change creates a premature translational stop signal (p.Leu811Argfs*37) in the GAA gene. It is expected to result in an absent or disrupted protein product. Loss-of-function variants in GAA are known to be pathogenic (PMID: 18425781, 22252923). This variant is present in population databases (rs766560578, gnomAD 0.01%). This premature translational stop signal has been observed in individual(s) with glycogen storage disease type II (PMID: 16433701, 18429042, 24269976). In at least one individual the data is consistent with being in trans (on the opposite chromosome) from a pathogenic variant. ClinVar contains an entry for this variant (Variation ID: 938833). For these reasons, this variant has been classified as Pathogenic.

Revvity Omics, Revvity
Classification: Pathogenic. Last evaluated: 2025-03-06. Review status: criteria provided, single submitter. Criteria: ACMG Guidelines, 2015. Collection method: clinical testing. Allele origin: germline.

Natera, Inc.
Classification: Pathogenic for Glycogen storage disease type II. Last evaluated: 2024-05-14. Review status: criteria provided, single submitter. Criteria: Natera Variant Classification Schema (03/2026). Collection method: clinical testing. Allele origin: germline.
Comment: The c.2432delT variant in GAA is a frameshift variant predicted to shift the reading frame beginning at codon 811 and leads to a stop codon 37 codons downstream. This variant is expected to result in nonsense mediated decay, truncation, or a dysfunctional protein product. This variant is rare in the general population with a frequency below the threshold expected for the associated phenotype(s). This variant has been observed in one or more individuals affected with the associated recessive disease, as either homozygous or compound heterozygous with a second variant (PMID: 31606152, 24269976, 18429042). Given the available evidence, this variant is classified as Pathogenic.

Women's Health and Genetics/Laboratory Corporation of America, LabCorp
Classification: Pathogenic for Glycogen storage disease, type II. Last evaluated: 2022-06-24. Review status: criteria provided, single submitter. Criteria: LabCorp Variant Classification Summary - May 2015. Collection method: clinical testing. Allele origin: germline.
Comment: Variant summary: GAA c.2432delT (p.Leu811ArgfsX37) results in a premature termination codon, predicted to cause a truncation of the encoded protein or absence of the protein due to nonsense mediated decay, which are commonly known mechanisms for disease. Truncations downstream of this position have been classified as pathogenic by our laboratory. The variant allele was found at a frequency of 4e-06 in 247066 control chromosomes (gnomAD). c.2432delT has been reported in the literature in multiple individuals affected with Glycogen Storage Disease, Type 2 (Pompe Disease), including at least two cases where it has been detected in trans with a pathogenic variant (e.g. Amartino_2006, Pittis_2008, Bali_2012, Fu_2014, Gupta_2020). These data indicate that the variant is very likely to be associated with disease. The variant is also commonly observed in CRIM-negative Pompe Disease patients, indicated by an absense of protein detected by western blot (e.g. Bali_2012, Gupta_2020). Three assessments for this variant have been submitted to ClinVar after 2014 and all classified the variant as pathogenic. Based on the evidence outlined above, the variant was classified as pathogenic.

Broad Center for Mendelian Genomics, Broad Institute of MIT and Harvard
Classification: Pathogenic for Glycogen storage disease, type II. Last evaluated: 2020-01-22. Review status: criteria provided, single submitter. Criteria: ACMG Guidelines, 2015. Collection method: curation. Allele origin: germline. Inheritance: Autosomal recessive inheritance.
Comment: The p.Leu811ArgfsTer37 variant in GAA has been reported in at least 5 individuals with glycogen storage disease, segregated with disease in 2 affected relatives from 1 family (PMID: 25763511, 24269976, 16433701, 22252923, 18429042), and has been identified in 0.010% (1/9914) of Ashkenazi Jewish chromosomes by the Genome Aggregation Database (gnomAD; dbSNP rs766560578). Although this variant has been seen in the general population, its frequency is low enough to be consistent with a recessive carrier frequency. In vitro functional studies have showed patients with the variant to be CRIM-negative (PMID: 25763511, 22252923). However, these types of assays may not accurately represent biological function. This variant is predicted to cause a frameshift, which alters the protein's amino acid sequence beginning at position 811 and leads to a premature termination codon 37 amino acids downstream. This alteration is then predicted to lead to a truncated or absent protein. Loss of function of the GAA gene is an established disease mechanism in autosomal recessive glycogen storage disease. The phenotype of an individual homozygous for this variant is highly specific for glycogen storage disease based on null GAA enzyme activity in lymphocytes, consistent with disease (PMID: 16433701). Additionally, the presence of this variant in combination with the reported pathogenic variant (p.Asp404Asn) and in an individual with glycogen storage disease increases the likelihood that the p.Leu811ArgfsTer37 variant is pathogenic (PMID: 22538254, 29122469, 29205646, 25687635, 22658377, 23787031, 26497565, 16433701, 243843240). In summary, this variant meets criteria to be classified as pathogenic for glycogen storage disease in an autosomal recessive manner based on the prediction that it causes loss of function, and its presence in combination with another pathogenic variant in an affected individual. ACMG/AMP Criteria applied: PVS1, PM3, PM2, PP4 (Richards 2015).

Literature cited by the submitters: PubMed 18429042 (cited by 5 submitters); PubMed 16433701 (cited by 4 submitters); PubMed 31606152 (cited by 3 submitters); PubMed 24269976 (cited by 5 submitters); PubMed 25763511 (cited by Genomenon, Inc); PubMed 22252923 (cited by 3 submitters); PubMed 18425781 (cited by Labcorp Genetics (formerly Invitae), Labcorp).